The following is an entry in ClinVar:

NM_005876.5(SPEG):c.8906T>C (p.Leu2969Pro)

Genes: ASIC4-AS1 (ASIC4 antisense RNA 1; minus strand), SPEG (striated muscle enriched protein kinase; plus strand). Cytogenetic location: 2q35.
Variant type: single nucleotide variant.
Coding change: c.8906T>C on transcript NM_005876.5 (MANE Select); coding-DNA position 8906, T replaced by C.
Protein change: p.Leu2969Pro; replaces leucine 2969 with proline.
Molecular consequence: missense variant.
Genome position (GRCh38, 1-based): chr2:219,489,924, T>C. VCF-style: chr2-219489924-T-C. GRCh37 (hg19) VCF-style: chr2-220354646-T-C.
Other names: short protein forms L2969P.
Identifiers: ClinVar variation 2117607 (VCV002117607.4), dbSNP rs2546013841, ClinGen allele CA350713471.

ClinVar aggregate classification (germline): Uncertain significance (1 of 4 stars; one submission).

Submission:

Labcorp Genetics (formerly Invitae), Labcorp
Classification: Uncertain significance. Last evaluated: 2022-05-18. Review status: criteria provided, single submitter. Criteria: Invitae Variant Classification Sherloc (09022015). Collection method: clinical testing. Allele origin: germline.
Comment: In summary, the available evidence is currently insufficient to determine the role of this variant in disease. Therefore, it has been classified as a Variant of Uncertain Significance. This variant has not been reported in the literature in individuals affected with SPEG-related conditions. Algorithms developed to predict the effect of missense changes on protein structure and function are either unavailable or do not agree on the potential impact of this missense change (SIFT: "Tolerated"; PolyPhen-2: "Possibly Damaging"; Align-GVGD: "Class C0"). This variant is not present in population databases (gnomAD no frequency). This sequence change replaces leucine, which is neutral and non-polar, with proline, which is neutral and non-polar, at codon 2969 of the SPEG protein (p.Leu2969Pro).